The following is an entry in ClinVar:

ClinVar aggregate classification (germline): Benign. Review status: criteria provided, multiple submitters, no conflicts (2 of 4 stars). 3 submissions from 3 submitters: Benign (3). Last evaluated 2026-09-21.

Allele frequency attached by ClinVar (database versions not stated): gnomAD exomes 0.97783 and 0.97566; ESP Exome Variant Server 0.96486; 1000 Genomes Project 0.97025; gnomAD 0.96624 and 0.96800; 1000 Genomes Project 30x 0.97080; ExAC 0.97697; TOPMed 0.96598.
gnomAD v4.1: 1,368,315 of 1,403,786 alleles (97%); highest among the groups gnomAD compares: East Asian, 100%; 666,972 homozygotes.

Submissions (3):

Molecular Diagnostic Laboratory for Inherited Cardiovascular Disease, Montreal Heart Institute
Classification: Benign. Last evaluated: 2026-09-21. Review status: criteria provided, single submitter. Criteria: ACMG Guidelines, 2015. Collection method: clinical testing. Allele origin: germline. Affected: no.
Comment: BA1

GeneDx
Classification: Benign. Last evaluated: 2019-03-29. Review status: criteria provided, single submitter. Criteria: GeneDx Variant Classification Process June 2021. Collection method: clinical testing. Allele origin: germline. Affected: yes.

Breakthrough Genomics
Classification: Benign. Review status: criteria provided, single submitter. Criteria: ACMG Guidelines, 2015. Collection method: not provided. Allele origin: germline. Inheritance: Autosomal recessive inheritance. Affected: yes.

NM_001010874.5(TECRL):c.964+48A>G

Gene: TECRL (trans-2,3-enoyl-CoA reductase like; minus strand). Cytogenetic location: 4q13.1.
Variant type: single nucleotide variant.
Coding change: c.964+48A>G on transcript NM_001010874.5 (MANE Select); 48 bases into the intron after coding-DNA position 964, A replaced by G.
Molecular consequence: intron variant.
Genome position (GRCh38, 1-based): chr4:64,280,993, T>C on the plus strand (A>G on the coding strand, the complement: TECRL is on the minus strand). VCF-style: chr4-64280993-T-C. GRCh37 (hg19) VCF-style: chr4-65146711-T-C.
Other names: c.964+48A>G (NM_001010874.4, NM_001363796.1).
Identifiers: ClinVar variation 1240736 (VCV001240736.4), dbSNP rs1483709, ClinGen allele CA2935281.
Genomic context (GRCh38, chr4:64,280,993, plus strand): 5'-CCTTTTACAATCATGCTATACTTTAGTACTATAATAACTTTTTCTCAGAAACCATTTATC[T>C]TAAAGATGCATTTATTTTGATTAATTATCAGTATATCTAGGTCTTACCTGGCAGTGTTTG-3'